The following is an entry in ClinVar:

NM_000264.5(PTCH1):c.*231T>C

Gene: PTCH1 (patched 1; minus strand). Cytogenetic location: 9q22.32.
Variant type: single nucleotide variant.
Coding change: c.*231T>C on transcript NM_000264.5 (MANE Select); 231 bases downstream of the stop codon, T replaced by C.
Molecular consequence: 3 prime UTR variant. On other transcripts: non-coding transcript variant (1).
Genome position (GRCh38, 1-based): chr9:95,446,162, A>G on the plus strand (T>C on the coding strand, the complement: PTCH1 is on the minus strand). VCF-style: chr9-95446162-A-G. GRCh37 (hg19) VCF-style: chr9-98208444-A-G.
Other names: c.*231T>C (NM_001083602.3, NM_001083603.3, NM_001083604.3 and 4 more transcripts).
Identifiers: ClinVar variation 367660 (VCV000367660.9), dbSNP rs28401363, ClinGen allele CA10630683.

ClinVar aggregate classification (germline): Benign/Likely benign. Review status: criteria provided, multiple submitters, no conflicts (2 of 4 stars). 4 submissions from 3 submitters: Benign (2); Likely benign (2). Last evaluated 2018-06-18.

Conditions:
Holoprosencephaly 7 (HPE7). Identifiers: Orphanet 2162, MedGen C1835820, MONDO:0012562, OMIM 610828.
Gorlin syndrome. Also called: Basal cell nevus syndrome; Nevoid Basal Cell Carcinoma Syndrome. Identifiers: Orphanet 377, MedGen C0004779, MONDO:0007187.

Allele frequency attached by ClinVar (database versions not stated): 1000 Genomes Project 30x 0.00750; 1000 Genomes Project 0.00799; TOPMed 0.01565; gnomAD 0.01861 and 0.01898; gnomAD exomes 0.02118.
gnomAD v4.1: 6,645 of 334,020 alleles (2%); highest among the groups gnomAD compares: Non-Finnish European, 2.9%; 108 homozygotes.

Submissions (4):

GeneDx
Classification: Likely benign. Last evaluated: 2018-06-18. Review status: criteria provided, single submitter. Criteria: GeneDx Variant Classification Process June 2021. Collection method: clinical testing. Allele origin: germline. Affected: yes.

Illumina Laboratory Services, Illumina
Classification: Benign for Basal cell nevus syndrome 1. Last evaluated: 2018-01-13. Review status: criteria provided, single submitter. Criteria: ICSL Variant Classification Criteria 13 December 2019. Collection method: clinical testing. Allele origin: germline.
Comment: This variant was observed in the ICSL laboratory as part of a predisposition screen in an ostensibly healthy population. It had not been previously curated by ICSL or reported in the Human Gene Mutation Database (HGMD: prior to June 1st, 2018), and was therefore a candidate for classification through an automated scoring system. Utilizing variant allele frequency, disease prevalence and penetrance estimates, and inheritance mode, an automated score was calculated to assess if this variant is too frequent to cause the disease. Based on the score and internal cut-off values, a variant classified as benign is not then subjected to further curation. The score for this variant resulted in a classification of benign for this disease.

Illumina Laboratory Services, Illumina
Classification: Benign for Holoprosencephaly 7. Last evaluated: 2018-01-13. Review status: criteria provided, single submitter. Criteria: ICSL Variant Classification Criteria 13 December 2019. Collection method: clinical testing. Allele origin: germline.
Comment: the same text as in the submission from Illumina Laboratory Services, Illumina above.

Breakthrough Genomics
Classification: Likely benign. Review status: criteria provided, single submitter. Criteria: ACMG Guidelines, 2015. Collection method: not provided. Allele origin: germline. Inheritance: Autosomal dominant inheritance. Affected: yes.